The following is an entry in ClinVar:

NM_032977.4(CASP10):c.1116T>G (p.Ile372Met)

Gene: CASP10 (caspase 10; plus strand). Cytogenetic location: 2q33.1.
Variant type: single nucleotide variant.
Coding change: c.1116T>G on transcript NM_032977.4 (MANE Select); coding-DNA position 1116, T replaced by G.
Protein change: p.Ile372Met; replaces isoleucine 372 with methionine.
Molecular consequence: missense variant. On other transcripts: 3 prime UTR variant (1).
Genome position (GRCh38, 1-based): chr2:201,209,263, T>G. VCF-style: chr2-201209263-T-G. GRCh37 (hg19) VCF-style: chr2-202073986-T-G.
Other names: c.1116T>G, p.Ile372Met (NM_032974.5); c.*202T>G (NM_032976.4); c.915T>G, p.Ile305Met (NM_001206524.2); c.987T>G, p.Ile329Met (NM_001206542.2, NM_001230.5); short protein forms I329M, I305M, I372M.
Identifiers: ClinVar variation 4782910 (VCV004782910.1).

ClinVar aggregate classification (germline): Uncertain significance (1 of 4 stars; one submission).

Conditions:
Autoimmune lymphoproliferative syndrome type 2A (ALPS2A). Also called: CASP10-Related Autoimmune Lymphoproliferative Syndrome; AUTOIMMUNE LYMPHOPROLIFERATIVE SYNDROME, TYPE IIA; Autoimmune lymphoproliferative syndrome type 2. Identifiers: Orphanet 3261, MedGen C1858968, MONDO:0011383, OMIM 603909.

Submission:

Labcorp Genetics (formerly Invitae), Labcorp
Classification: Uncertain significance for Autoimmune lymphoproliferative syndrome type 2A. Last evaluated: 2025-09-16. Review status: criteria provided, single submitter. Criteria: Invitae Variant Classification Sherloc (09022015). Collection method: clinical testing. Allele origin: germline.
Comment: This sequence change replaces isoleucine, which is neutral and non-polar, with methionine, which is neutral and non-polar, at codon 372 of the CASP10 protein (p.Ile372Met). This variant is not present in population databases (gnomAD no frequency). This variant has not been reported in the literature in individuals affected with CASP10-related conditions. Invitae Evidence Modeling of protein sequence and biophysical properties (such as structural, functional, and spatial information, amino acid conservation, physicochemical variation, residue mobility, and thermodynamic stability) indicates that this missense variant is not expected to disrupt CASP10 protein function with a negative predictive value of 80%. In summary, the available evidence is currently insufficient to determine the role of this variant in disease. Therefore, it has been classified as a Variant of Uncertain Significance.